The following is an entry in ClinVar:

NM_138691.3(TMC1):c.510G>A (p.Trp170Ter)

Gene: TMC1 (transmembrane channel like 1; plus strand). Cytogenetic location: 9q21.13.
Variant type: single nucleotide variant.
Coding change: c.510G>A on transcript NM_138691.3 (MANE Select); coding-DNA position 510, G replaced by A.
Protein change: p.Trp170Ter; replaces tryptophan 170 with a stop codon.
Molecular consequence: nonsense.
Genome position (GRCh38, 1-based): chr9:72,742,500, G>A. VCF-style: chr9-72742500-G-A. GRCh37 (hg19) VCF-style: chr9-75357416-G-A.
Other names: short protein forms W170*.
Identifiers: ClinVar variation 2771757 (VCV002771757.3), dbSNP rs2489814663, ClinGen allele CA373495457.
Genomic context (GRCh38, chr9:72,742,500, plus strand): 5'-TCAGAAATGGGCAAAATTCCTCCGTGATTTTGAGAACTTCAAAGCTGCGTGTGTCCCATG[G>A]GAAAATAAAATCAAGGCTATTGAAAGTAAGTCCTTATCAGATCTCAGGTGGAGAAGGTTG-3'

ClinVar aggregate classification (germline): Pathogenic (1 of 4 stars; one submission).

Submission:

Labcorp Genetics (formerly Invitae), Labcorp
Classification: Pathogenic. Last evaluated: 2023-10-25. Review status: criteria provided, single submitter. Criteria: Invitae Variant Classification Sherloc (09022015). Collection method: clinical testing. Allele origin: germline.
Comment: This sequence change creates a premature translational stop signal (p.Trp170*) in the TMC1 gene. It is expected to result in an absent or disrupted protein product. Loss-of-function variants in TMC1 are known to be pathogenic (PMID: 11850618, 22105175). This variant is not present in population databases (gnomAD no frequency). This variant has not been reported in the literature in individuals affected with TMC1-related conditions. For these reasons, this variant has been classified as Pathogenic.

Literature cited by the submitters: PubMed 11850618; PubMed 22105175.